The following is an entry in ClinVar:

ClinVar aggregate classification (germline): Pathogenic. Review status: criteria provided, multiple submitters, no conflicts (2 of 4 stars). 3 submissions from 3 submitters: Pathogenic (3). Last evaluated 2025-08-11.

Conditions:
Hereditary cancer-predisposing syndrome. Also called: Neoplastic Syndromes, Hereditary; Tumor predisposition; Hereditary Cancer Syndrome; Hereditary neoplastic syndrome. Identifiers: Orphanet 140162, MedGen C0027672, MeSH D009386, MONDO:0015356.
Hereditary breast ovarian cancer syndrome. Also called: Hereditary breast and ovarian cancer syndrome (HBOC); Hereditary breast and/or ovarian cancer syndrome; Hereditary breast and ovarian cancer; Hereditary breast and ovarian cancer syndrome; BRCA1- and BRCA2-Associated Hereditary Breast and Ovarian Cancer; Breast and ovarian cancer. Identifiers: Orphanet 145, MedGen C0677776, MeSH D061325, MONDO:0003582. Disease mechanism: loss of function.

Submissions (3):

Labcorp Genetics (formerly Invitae), Labcorp
Classification: Pathogenic for Hereditary breast ovarian cancer syndrome. Last evaluated: 2025-08-11. Review status: criteria provided, single submitter. Criteria: Invitae Variant Classification Sherloc (09022015). Collection method: clinical testing. Allele origin: germline.
Comment: This sequence change creates a premature translational stop signal (p.Glu1113*) in the BRCA2 gene. It is expected to result in an absent or disrupted protein product. Loss-of-function variants in BRCA2 are known to be pathogenic (PMID: 20104584). This variant is not present in population databases (gnomAD no frequency). This variant has not been reported in the literature in individuals affected with BRCA2-related conditions. ClinVar contains an entry for this variant (Variation ID: 2774896). For these reasons, this variant has been classified as Pathogenic.

Ambry Genetics
Classification: Pathogenic for Hereditary cancer-predisposing syndrome. Last evaluated: 2024-12-06. Review status: criteria provided, single submitter. Criteria: Ambry Variant Classification Scheme 2023. Collection method: clinical testing. Allele origin: germline.
Comment: The p.E1113* pathogenic mutation (also known as c.3337G>T), located in coding exon 10 of the BRCA2 gene, results from a G to T substitution at nucleotide position 3337. This changes the amino acid from a glutamic acid to a stop codon within coding exon 10. This variant is considered to be rare based on population cohorts in the Genome Aggregation Database (gnomAD). This alteration is expected to result in loss of function by premature protein truncation or nonsense-mediated mRNA decay. As such, this alteration is interpreted as a disease-causing mutation.

Color Diagnostics, LLC DBA Color Health
Classification: Pathogenic for Hereditary cancer-predisposing syndrome. Last evaluated: 2023-07-17. Review status: criteria provided, single submitter. Criteria: ACMG Guidelines, 2015. Collection method: clinical testing. Allele origin: germline.
Comment: This variant changes 1 nucleotide in exon 11 of the BRCA2 gene, creating a premature translation stop signal. This variant is expected to result in an absent or non-functional protein product. To our knowledge, this variant has not been reported in individuals affected with BRCA2-related disorders in the literature. This variant has not been identified in the general population by the Genome Aggregation Database (gnomAD). Loss of BRCA2 function is a known mechanism of disease. Based on the available evidence, this variant is classified as Pathogenic.

Literature cited by the submitters: PubMed 20104584 (cited by Labcorp Genetics (formerly Invitae), Labcorp).

NM_000059.4(BRCA2):c.3337G>T (p.Glu1113Ter)

Gene: BRCA2 (BRCA2 DNA repair associated; plus strand). Cytogenetic location: 13q13.1.
Variant type: single nucleotide variant.
Coding change: c.3337G>T on transcript NM_000059.4 (MANE Select); coding-DNA position 3337, G replaced by T.
Protein change: p.Glu1113Ter; replaces glutamic acid 1113 with a stop codon.
Molecular consequence: nonsense. On other transcripts: non-coding transcript variant (1), intron variant (2).
Genome position (GRCh38, 1-based): chr13:32,337,692, G>T. VCF-style: chr13-32337692-G-T. GRCh37 (hg19) VCF-style: chr13-32911829-G-T.
Other names: c.3337G>T, p.Glu1113Ter (NM_001406719.1, NM_001406720.1); c.1909+4305G>T (NM_001406721.1); c.424+6662G>T (NM_001406722.1); short protein forms E1113*.
Identifiers: ClinVar variation 2774896 (VCV002774896.5), dbSNP rs1482364471, ClinGen allele CA387776298.